The following is an entry in ClinVar:

NM_001130009.3(GEN1):c.517A>G (p.Asn173Asp)

Gene: GEN1 (GEN1 structure-specific endonuclease; plus strand). Cytogenetic location: 2p24.2.
Variant type: single nucleotide variant.
Coding change: c.517A>G on transcript NM_001130009.3 (MANE Select); coding-DNA position 517, A replaced by G.
Protein change: p.Asn173Asp; replaces asparagine 173 with aspartic acid.
Molecular consequence: missense variant.
Genome position (GRCh38, 1-based): chr2:17,765,065, A>G. VCF-style: chr2-17765065-A-G. GRCh37 (hg19) VCF-style: chr2-17946332-A-G.
Other names: c.517A>G (NM_001130009.1); c.517A>G, p.Asn173Asp (NM_182625.5); short protein forms N173D.
Identifiers: ClinVar variation 2163129 (VCV002163129.5), dbSNP rs1671861593, ClinGen allele CA345909992.

ClinVar aggregate classification (germline): Uncertain significance. Review status: criteria provided, multiple submitters, no conflicts (2 of 4 stars). 2 submissions from 2 submitters: Uncertain significance (2). Last evaluated 2025-02-03.

Allele frequency attached by ClinVar (database versions not stated): gnomAD exomes below 0.00001; TOPMed below 0.00001.
gnomAD v4.1: 1 of 1,613,436 alleles (0.000062%); highest among the groups gnomAD compares: Non-Finnish European, 0.000085%; no homozygotes.

Submissions (2):

Ambry Genetics
Classification: Uncertain significance. Last evaluated: 2025-02-03. Review status: criteria provided, single submitter. Criteria: Ambry Variant Classification Scheme 2023. Collection method: clinical testing. Allele origin: germline.
Comment: The p.N173D variant (also known as c.517A>G), located in coding exon 3 of the GEN1 gene, results from an A to G substitution at nucleotide position 517. The asparagine at codon 173 is replaced by aspartic acid, an amino acid with highly similar properties. This amino acid position is conserved. In addition, this alteration is predicted to be tolerated by in silico analysis. Based on the available evidence, the clinical significance of this variant remains unclear.

Labcorp Genetics (formerly Invitae), Labcorp
Classification: Uncertain significance. Last evaluated: 2022-10-05. Review status: criteria provided, single submitter. Criteria: Invitae Variant Classification Sherloc (09022015). Collection method: clinical testing. Allele origin: germline.
Comment: This sequence change replaces asparagine, which is neutral and polar, with aspartic acid, which is acidic and polar, at codon 173 of the GEN1 protein (p.Asn173Asp). This variant is not present in population databases (gnomAD no frequency). This variant has not been reported in the literature in individuals affected with GEN1-related conditions. Algorithms developed to predict the effect of missense changes on protein structure and function are either unavailable or do not agree on the potential impact of this missense change (SIFT: "Tolerated"; PolyPhen-2: "Possibly Damaging"; Align-GVGD: "Class C0"). In summary, the available evidence is currently insufficient to determine the role of this variant in disease. Therefore, it has been classified as a Variant of Uncertain Significance.